The following is an entry in ClinVar:

ClinVar aggregate classification (germline): Likely benign. Review status: criteria provided, single submitter (1 of 4 stars). 2 submissions from 2 submitters: Likely benign (1). 1 of the submissions does not count toward it. Last evaluated 2025-04-14.

Conditions:
CELSR2-related disorder. Also called: CELSR2-related condition.

Allele frequency attached by ClinVar (database versions not stated): 1000 Genomes Project 30x 0.00031; 1000 Genomes Project 0.00040; gnomAD 0.00104; ExAC 0.00119; TOPMed 0.00121; gnomAD exomes 0.00122; ESP Exome Variant Server 0.00123.
gnomAD v4.1: 1,947 of 1,600,028 alleles (0.12%); highest among the groups gnomAD compares: Admixed American, 0.16%; 3 homozygotes.

Submissions (2):

Labcorp Genetics (formerly Invitae), Labcorp
Classification: Likely benign. Last evaluated: 2025-04-14. Review status: criteria provided, single submitter. Criteria: Invitae Variant Classification Sherloc (09022015). Collection method: clinical testing. Allele origin: germline.

PreventionGenetics, part of Exact Sciences
Classification: Likely benign for CELSR2-related condition. Last evaluated: 2022-09-21. Review status: no assertion criteria provided. Collection method: clinical testing. Allele origin: germline. Not counted in ClinVar's aggregate classification.
Comment: This variant is classified as likely benign based on ACMG/AMP sequence variant interpretation guidelines (Richards et al. 2015 PMID: 25741868, with internal and published modifications).

NM_001408.3(CELSR2):c.4736A>T (p.Asp1579Val)

Gene: CELSR2 (cadherin EGF LAG seven-pass G-type receptor 2; plus strand). Cytogenetic location: 1p13.3.
Variant type: single nucleotide variant.
Coding change: c.4736A>T on transcript NM_001408.3 (MANE Select); coding-DNA position 4736, A replaced by T.
Protein change: p.Asp1579Val; replaces aspartic acid 1579 with valine.
Molecular consequence: missense variant.
Genome position (GRCh38, 1-based): chr1:109,263,169, A>T. VCF-style: chr1-109263169-A-T. GRCh37 (hg19) VCF-style: chr1-109805791-A-T.
Other names: c.4736A>T (NM_001408.2); short protein forms D1579V.
Identifiers: ClinVar variation 2037502 (VCV002037502.6), dbSNP rs139406620, ClinGen allele CA987318.